The following is an entry in ClinVar:

ClinVar aggregate classification (germline): Uncertain significance (1 of 4 stars; one submission).

gnomAD v4.1: 1 of 1,614,162 alleles (0.000062%); highest among the groups gnomAD compares: Non-Finnish European, 0.000085%; no homozygotes.

Submission:

GeneDx
Classification: Uncertain significance. Last evaluated: 2024-04-22. Review status: criteria provided, single submitter. Criteria: GeneDx Variant Classification Process June 2021. Collection method: clinical testing. Allele origin: germline. Affected: yes.
Comment: Not observed at significant frequency in large population cohorts (gnomAD); In silico analysis supports a deleterious effect on splicing; Has not been previously published as pathogenic or benign to our knowledge

NM_000501.4(ELN):c.685+5G>A

Gene: ELN (elastin; plus strand). Cytogenetic location: 7q11.23.
Variant type: single nucleotide variant.
Coding change: c.685+5G>A on transcript NM_000501.4 (MANE Select); 5 bases into the intron after coding-DNA position 685, G replaced by A.
Molecular consequence: intron variant.
Genome position (GRCh38, 1-based): chr7:74,047,721, G>A. VCF-style: chr7-74047721-G-A. GRCh37 (hg19) VCF-style: chr7-73462051-G-A.
Other names: c.700+5G>A (NM_001081754.3, NM_001081753.3); c.685+5G>A (NM_001278939.2, NM_001278915.2, NM_001278912.2 and 1 more transcripts); c.644-421G>A (NM_001278916.2); c.578-421G>A (NM_001278913.2); c.670+5G>A (NM_001278914.2); c.655+5G>A (NM_001278917.2, NM_001081752.3); c.553+5G>A (NM_001278918.2).
Identifiers: ClinVar variation 3373027 (VCV003373027.1).